The following is an entry in ClinVar:

NM_006393.3(NEBL):c.149G>A (p.Ser50Asn)

Gene: NEBL (nebulette; minus strand). Cytogenetic location: 10p12.31.
Variant type: single nucleotide variant.
Coding change: c.149G>A on transcript NM_006393.3 (MANE Select); coding-DNA position 149, G replaced by A.
Protein change: p.Ser50Asn; replaces serine 50 with asparagine.
Molecular consequence: missense variant. On other transcripts: intron variant (9).
Genome position (GRCh38, 1-based): chr10:20,896,962, C>T on the plus strand (G>A on the coding strand, the complement: NEBL is on the minus strand). VCF-style: chr10-20896962-C-T. GRCh37 (hg19) VCF-style: chr10-21185891-C-T.
Other names: c.249+64710G>A (NM_001377326.1, NM_001377327.1, NM_001377328.1); c.357+64710G>A (NM_213569.2, NM_001173484.2, NM_001377322.1); c.300+64710G>A (NM_001377324.1); c.291+64710G>A (NM_001377325.1); c.309+64710G>A (NM_001377323.1); short protein forms S50N.
Identifiers: ClinVar variation 843104 (VCV000843104.12), dbSNP rs1207801626, ClinGen allele CA376098526.

ClinVar aggregate classification (germline): Uncertain significance. Review status: criteria provided, multiple submitters, no conflicts (2 of 4 stars). 2 submissions from 2 submitters: Uncertain significance (2). Last evaluated 2026-01-26.

Conditions:
Primary dilated cardiomyopathy (DCM). Also called: Dilated Cardiomyopathy. Identifiers: Orphanet 217604, MedGen C0007193, MeSH D002311, MONDO:0005021, HP:0001644. Inheritance: Various modes of inheritance.

Allele frequency attached by ClinVar (database versions not stated): gnomAD exomes below 0.00001; gnomAD 0.00001; TOPMed 0.00001.
gnomAD v4.1: 4 of 1,613,640 alleles (0.00025%); highest among the groups gnomAD compares: Non-Finnish European, 0.00025%; no homozygotes.

Submissions (2):

Labcorp Genetics (formerly Invitae), Labcorp
Classification: Uncertain significance for Primary dilated cardiomyopathy. Last evaluated: 2026-01-26. Review status: criteria provided, single submitter. Criteria: Invitae Variant Classification Sherloc (09022015). Collection method: clinical testing. Allele origin: germline.
Comment: This sequence change replaces serine, which is neutral and polar, with asparagine, which is neutral and polar, at codon 50 of the NEBL protein (p.Ser50Asn). This variant is present in population databases (no rsID available, gnomAD 0.0009%). This variant has not been reported in the literature in individuals affected with NEBL-related conditions. ClinVar contains an entry for this variant (Variation ID: 843104). An algorithm developed to predict the effect of missense changes on protein structure and function (PolyPhen-2) suggests that this variant is likely to be disruptive. In summary, the available evidence is currently insufficient to determine the role of this variant in disease. Therefore, it has been classified as a Variant of Uncertain Significance.

Ambry Genetics
Classification: Uncertain significance. Last evaluated: 2023-08-02. Review status: criteria provided, single submitter. Criteria: Ambry Variant Classification Scheme 2023. Collection method: clinical testing. Allele origin: germline.
Comment: The p.S50N variant (also known as c.149G>A), located in coding exon 2 of the NEBL gene, results from a G to A substitution at nucleotide position 149. The serine at codon 50 is replaced by asparagine, an amino acid with highly similar properties. This amino acid position is conserved. In addition, the in silico prediction for this alteration is inconclusive. Since supporting evidence is limited at this time, the clinical significance of this alteration remains unclear.